The following is an entry in ClinVar:

ClinVar aggregate classification (germline): Pathogenic. Review status: no assertion criteria provided (0 of 4 stars). 3 submissions from 2 submitters: Pathogenic (3). Last evaluated 2013-04-18.

Conditions:
Deficiency of ferroxidase (ACEP). Also called: Aceruloplasminemia; Deficiency of ceruloplasmin; Ceruloplasmin deficiency; Familial apoceruloplasmin deficiency; Hereditary ceruloplasmin deficiency; NEURODEGENERATION WITH BRAIN IRON ACCUMULATION 10. Identifiers: Orphanet 48818, MedGen C0878682, MONDO:0011426, OMIM 604290, HP:0025498.
Ceruloplasmin belfast.

Submissions (3):

GeneReviews
Classification: Pathogenic for Aceruloplasminemia. Last evaluated: 2013-04-18. Review status: no assertion criteria provided. Collection method: curation. Allele origin: unknown.
ClinVar note: Converted during submission from pathologic to Pathogenic.

OMIM
Classification: Pathogenic for ACERULOPLASMINEMIA. Last evaluated: 1994-11-01. Review status: no assertion criteria provided. Collection method: literature only. Allele origin: germline.

OMIM
Classification: Pathogenic for CERULOPLASMIN BELFAST. Last evaluated: 1994-11-01. Review status: no assertion criteria provided. Collection method: literature only. Allele origin: germline.

Literature cited by the submitters: PubMed 7820540 (cited by OMIM); Harris, Z. L., Migas, M. C., Hughes, A. E., Logan, J. I., Gitlin, J. D. Familial dementia due to a frameshift mutation in the caeruloplasmin gene. Quart. J. Med. 89: 355-359, 1996. (cited by OMIM); PubMed 2016084 (cited by OMIM).

NM_000096.4(CP):c.2389del (p.Glu797fs)

Gene: CP (ceruloplasmin; minus strand). Cytogenetic location: 3q24.
Variant type: Deletion.
Coding change: c.2389del on transcript NM_000096.4 (MANE Select); coding-DNA position 2389, one base deleted (G; older notation c.2389delG).
Protein change: p.Glu797fs; shifts the reading frame from glutamic acid 797.
Molecular consequence: frameshift variant. On other transcripts: non-coding transcript variant (1).
Genome position (GRCh38, 1-based): chr3:149,183,502, C deleted on the plus strand (G on the coding strand, the reverse complement: CP is on the minus strand); the first of 2 consecutive C bases (chr3:149,183,502-149,183,503); deleting either gives the same sequence. VCF-style (leftmost placement, unchanged base first): chr3-149183501-TC-T. GRCh37 (hg19) VCF-style: chr3-148901288-TC-T.
Other names: c.2389delG; short protein forms E797fs.
Identifiers: ClinVar variation 17560 (VCV000017560.6), dbSNP rs386134149, ClinGen allele CA127256.